The following is an entry in ClinVar:

NM_007194.4(CHEK2):c.-7+6T>C

Genes: CHEK2 (checkpoint kinase 2; minus strand), LOC130067165 (ATAC-STARR-seq lymphoblastoid active region 18804; plus strand). Cytogenetic location: 22q12.1.
Variant type: single nucleotide variant.
Coding change: c.-7+6T>C on transcript NM_007194.4 (MANE Select); 6 bases into the intron after 7 bases upstream of the start codon, T replaced by C.
Molecular consequence: intron variant.
Genome position (GRCh38, 1-based): chr22:28,741,763, A>G on the plus strand (T>C on the coding strand, the complement: CHEK2 is on the minus strand). VCF-style: chr22-28741763-A-G. GRCh37 (hg19) VCF-style: chr22-29137751-A-G.
Other names: c.-345+6T>C (NM_001437942.1); c.-7+6T>C (NM_001349956.3, NM_145862.3, NM_001438295.1 and 3 more transcripts); c.-784+6T>C (NM_001257387.3).
Identifiers: ClinVar variation 420693 (VCV000420693.2), dbSNP rs1064794639, ClinGen allele CA16621091.
Genomic context (GRCh38, chr22:28,741,763, plus strand): 5'-GCACAAAACGCTTAAGATGGGATTCGAACCACCAAACACCCAACAGAAGTTCCCCATATG[A>G]CTCACCGCGTGAGCCCACCTGGAGCCGCACACTCTCCGCAGCCTCAGCCAGCAGAGTGGC-3'

ClinVar aggregate classification (germline): Uncertain significance (1 of 4 stars; one submission).

Submission:

GeneDx
Classification: Uncertain significance. Last evaluated: 2017-11-01. Review status: criteria provided, single submitter. Criteria: GeneDx Variant Classification (06012015). Collection method: clinical testing. Allele origin: germline. Affected: yes.
Comment: This variant is denoted CHEK2 c.-7+6T>C or IVS1+6T>C and consists of a T>C nucleotide substitution at the +6 position of intron 1 of the CHEK2 gene. This substitution occurs upstream of the ATG translational start site in the 5' untranslated region (UTR). Multiple in silico models predict this variant to weaken the nearby natural splice donor site and to possibly cause abnormal gene splicing; however, in the absence of RNA or functional studies, the actual effect of this variant is unknown.? This variant has not, to our knowledge, been published in the literature as pathogenic or benign. CHEK2 c.-7+6T>C was not observed in large population cohorts; however, limited data are available (Lek 2016). The thymine (T) nucleotide that is altered is conserved through mammals. Based on currently available information, it is unclear whether CHEK2 c.-7+6T>C is pathogenic or benign. We consider it to be a variant of uncertain significance.